The following is an entry in ClinVar:

ClinVar aggregate classification (germline): Pathogenic (1 of 4 stars; one submission).

Submission:

Labcorp Genetics (formerly Invitae), Labcorp
Classification: Pathogenic. Last evaluated: 2021-10-13. Review status: criteria provided, single submitter. Criteria: Invitae Variant Classification Sherloc (09022015). Collection method: clinical testing. Allele origin: germline.
Comment: For these reasons, this variant has been classified as Pathogenic. This variant has not been reported in the literature in individuals affected with CEP78-related conditions. This variant is not present in population databases (ExAC no frequency). This sequence change creates a premature translational stop signal (p.Gln416*) in the CEP78 gene. It is expected to result in an absent or disrupted protein product. Loss-of-function variants in CEP78 are known to be pathogenic (PMID: 27588451, 27588452, 27627988).

Literature cited by the submitters: PubMed 27588451; PubMed 27588452; PubMed 27627988.

NM_001330691.3(CEP78):c.1243C>T (p.Gln415Ter)

Gene: CEP78 (centrosomal protein 78; plus strand). Cytogenetic location: 9q21.2.
Variant type: single nucleotide variant.
Coding change: c.1243C>T on transcript NM_001330691.3 (MANE Select); coding-DNA position 1243, C replaced by T.
Protein change: p.Gln415Ter; replaces glutamine 415 with a stop codon.
Molecular consequence: nonsense.
Genome position (GRCh38, 1-based): chr9:78,253,269, C>T. VCF-style: chr9-78253269-C-T. GRCh37 (hg19) VCF-style: chr9-80868185-C-T.
Other names: c.1246C>T, p.Gln416Ter (NM_001098802.3, NM_001349839.2, NM_001349840.2 and 1 more transcripts); c.1243C>T, p.Gln415Ter (NM_001330693.3, NM_001330694.2, NM_001349838.2); short protein forms Q415*, Q416*.
Identifiers: ClinVar variation 1416146 (VCV001416146.6), dbSNP rs2118317438, ClinGen allele CA373860298.
Genomic context (GRCh38, chr9:78,253,269, plus strand): 5'-TTAATTTATCGATATCTTTTTAGGGGTTTCCCATTAATCAAAACACGTGATATATGTAAT[C>T]AGTTGCAGGTACGTAGTTACCATGTTTATAATATGTAGGGGATTGGAATGGGAAGGGTGG-3'